The following is an entry in ClinVar:

ClinVar aggregate classification (germline): Uncertain significance (1 of 4 stars; one submission).

Conditions:
Nemaline myopathy 2 (NEM2). Also called: Nemaline myopathy 2, autosomal recessive. Identifiers: MedGen C1850569, MONDO:0009725, OMIM 256030.

Submission:

Genetics and Molecular Pathology, SA Pathology
Classification: Uncertain significance for Nemaline myopathy 2. Last evaluated: 2021-09-07. Review status: criteria provided, single submitter. Criteria: ACMG Guidelines, 2015. Collection method: clinical testing. Allele origin: germline. Inheritance: Autosomal recessive inheritance. Affected: yes.
Comment: PM2, PP3

NM_001164508.2(NEB):c.19573C>T (p.Pro6525Ser)

Genes: NEB (nebulin; minus strand), LOC126806373 (BRD4-independent group 4 enhancer GRCh37_chr2:152410007-152411206; plus strand). Cytogenetic location: 2q23.3.
Variant type: single nucleotide variant.
Coding change: c.19573C>T on transcript NM_001164508.2 (MANE Select); coding-DNA position 19573, C replaced by T.
Protein change: p.Pro6525Ser; replaces proline 6525 with serine.
Molecular consequence: missense variant.
Genome position (GRCh38, 1-based): chr2:151,553,881, G>A on the plus strand (C>T on the coding strand, the complement: NEB is on the minus strand). VCF-style: chr2-151553881-G-A. GRCh37 (hg19) VCF-style: chr2-152410395-G-A.
Other names: c.14470C>T, p.Pro4824Ser (NM_004543.5); c.19573C>T, p.Pro6525Ser (NM_001164507.2, NM_001271208.2); short protein forms P4824S, P6525S.
Identifiers: ClinVar variation 1803161 (VCV001803161.1), dbSNP rs2552185318, ClinGen allele CA348790895.